The following is an entry in ClinVar:

NM_000500.9(CYP21A2):c.939+2T>G

Genes: CYP21A2 (cytochrome P450 family 21 subfamily A member 2; plus strand), LOC106780800 (CYP21A2 recombination region; plus strand). Cytogenetic location: 6p21.33.
Variant type: single nucleotide variant.
Coding change: c.939+2T>G on transcript NM_000500.9 (MANE Select); the canonical splice donor site of the intron after coding-DNA position 939, T replaced by G.
Molecular consequence: splice donor variant.
Genome position (GRCh38, 1-based): chr6:32,040,207, T>G. VCF-style: chr6-32040207-T-G. GRCh37 (hg19) VCF-style: chr6-32007984-T-G.
Other names: c.534+2T>G (NM_001368143.2, NM_001368144.2); c.849+2T>G (NM_001128590.4).
Identifiers: ClinVar variation 5042617 (VCV005042617.1), dbSNP rs72552753.

ClinVar aggregate classification (germline): Pathogenic (1 of 4 stars; one submission).

Conditions:
21-Hydroxylase-Deficient Congenital Adrenal Hyperplasia. Also called: ADRENAL HYPERPLASIA III; ADRENAL HYPERPLASIA, CONGENITAL, DUE TO 21-HYDROXYLASE DEFICIENCY. Identifiers: MedGen C2936858, OMIM 201910.

Submission:

Hema, HEMA – Genetic and Molecular Diagnostic Laboratory
Classification: Pathogenic for 21-Hydroxylase-Deficient Congenital Adrenal Hyperplasia. Last evaluated: 2026-09-07. Review status: criteria provided, single submitter. Criteria: HEMA Variant Classification Assertion Criteria. Collection method: clinical testing. Allele origin: germline.
Comment: The c.939+2T>G variant is a transversion from thymine to guanine that affects the donor splice site of intron 7 of the CYP21A2 gene. PVS1: Variant at the donor splice site (+2) of intron 7 of CYP21A2. It is predicted to result in exon skipping of the biologically relevant exon 7/10, without affecting the reading frame, but leading to a protein lacking amino acids 247 to 313. The deleted region is functionally important as there are several missense pathogenic variants in this region. PM2_Supporting: Absent in gnomAD. PM3_Supporting: The variant has been reported in conjunction with a pathogenic variant without determination of phase in an individual with congenital adrenal hyperplasia (PMID: 9580109).

Literature cited by the submitters: PubMed 9580109.